The following is an entry in ClinVar:

ClinVar aggregate classification (germline): Pathogenic/Likely pathogenic. Review status: criteria provided, multiple submitters, no conflicts (2 of 4 stars). 4 submissions from 4 submitters: Pathogenic (3); Likely pathogenic (1). Last evaluated 2025-04-01.

Conditions:
Hereditary cancer-predisposing syndrome. Also called: Neoplastic Syndromes, Hereditary; Hereditary Cancer Syndrome; Hereditary neoplastic syndrome; Tumor predisposition. Identifiers: Orphanet 140162, MedGen C0027672, MeSH D009386, MONDO:0015356.
Hereditary diffuse gastric adenocarcinoma (HDGC). Also called: DIFFUSE GASTRIC AND LOBULAR BREAST CANCER SYNDROME. Identifiers: Orphanet 26106, MedGen C1708349, MONDO:0007648, OMIM 137215.
Familial cancer of breast. Also called: hereditary breast carcinoma; BREAST CANCER, FAMILIAL; Hereditary breast cancer. Identifiers: Orphanet 227535, MedGen C0346153, MONDO:0016419, OMIM 114480. Disease mechanism: loss of function.

Submissions (4):

Hereditary Cancer Laboratory, Hospital Universitario 12 de Octubre
Classification: Pathogenic for Hereditary cancer-predisposing syndrome. Last evaluated: 2025-04-01. Review status: criteria provided, single submitter. Criteria: ACMG Guidelines, 2015. Collection method: clinical testing. Allele origin: germline.
Comment: PVS1 + PM2 + PP3

Myriad Genetics, Inc.
Classification: Pathogenic for Hereditary diffuse gastric adenocarcinoma. Last evaluated: 2023-06-14. Review status: criteria provided, single submitter. Criteria: Myriad Autosomal Dominant, Autosomal Recessive and X-Linked Classification Criteria (2023). Collection method: clinical testing. Allele origin: unknown.
Comment: This variant is considered pathogenic. This variant creates a termination codon and is predicted to result in premature protein truncation.

Baylor Genetics
Classification: Likely pathogenic for Familial cancer of breast. Last evaluated: 2022-06-21. Review status: criteria provided, single submitter. Criteria: ACMG Guidelines, 2015. Collection method: clinical testing. Allele origin: unknown.

Labcorp Genetics (formerly Invitae), Labcorp
Classification: Pathogenic for Hereditary diffuse gastric adenocarcinoma. Last evaluated: 2021-03-10. Review status: criteria provided, single submitter. Criteria: Invitae Variant Classification Sherloc (09022015). Collection method: clinical testing. Allele origin: germline.
Comment: This variant is not present in population databases (ExAC no frequency). This sequence change creates a premature translational stop signal (p.Trp638*) in the CDH1 gene. It is expected to result in an absent or disrupted protein product. This variant has not been reported in the literature in individuals with CDH1-related conditions. ClinVar contains an entry for this variant (Variation ID: 847107). Loss-of-function variants in CDH1 are known to be pathogenic (PMID: 15235021, 20373070). For these reasons, this variant has been classified as Pathogenic.

Literature cited by the submitters: PubMed 15235021 (cited by Labcorp Genetics (formerly Invitae), Labcorp); PubMed 20373070 (cited by Labcorp Genetics (formerly Invitae), Labcorp).

NM_004360.5(CDH1):c.1914G>A (p.Trp638Ter)

Gene: CDH1 (cadherin 1; plus strand). Cytogenetic location: 16q22.1.
Variant type: single nucleotide variant.
Coding change: c.1914G>A on transcript NM_004360.5 (MANE Select); coding-DNA position 1914, G replaced by A.
Protein change: p.Trp638Ter; replaces tryptophan 638 with a stop codon.
Molecular consequence: nonsense. On other transcripts: 5 prime UTR variant (1).
Genome position (GRCh38, 1-based): chr16:68,822,203, G>A. VCF-style: chr16-68822203-G-A. GRCh37 (hg19) VCF-style: chr16-68856106-G-A.
Other names: c.1731G>A, p.Trp577Ter (NM_001317184.2); c.366G>A, p.Trp122Ter (NM_001317185.2); c.-52G>A (NM_001317186.2); short protein forms W122*, W638*, W577*.
Identifiers: ClinVar variation 847107 (VCV000847107.12), dbSNP rs1961170989, ClinGen allele CA396467239.